The following is an entry in ClinVar:

NM_000152.5(GAA):c.2146G>C (p.Ala716Pro)

Gene: GAA (alpha glucosidase; plus strand). Cytogenetic location: 17q25.3.
Variant type: single nucleotide variant.
Coding change: c.2146G>C on transcript NM_000152.5 (MANE Select); coding-DNA position 2146, G replaced by C.
Protein change: p.Ala716Pro; replaces alanine 716 with proline.
Molecular consequence: missense variant.
Genome position (GRCh38, 1-based): chr17:80,113,323, G>C. VCF-style: chr17-80113323-G-C. GRCh37 (hg19) VCF-style: chr17-78087122-G-C.
Other names: c.2146G>C, p.Ala716Pro (NM_001079803.3, NM_001079804.3, NM_001406741.1 and 1 more transcripts); short protein forms A716P.
Identifiers: ClinVar variation 4876441 (VCV004876441.1).

ClinVar aggregate classification (germline): Uncertain significance (1 of 4 stars; one submission).

Conditions:
Glycogen storage disease, type II (IOPD). Also called: Pompe Disease; CARDIOMEGALIA GLYCOGENICA DIFFUSA; GLYCOGENOSIS, GENERALIZED, CARDIAC FORM; GSD II; POMPE DISEASE, INFANTILE-ONSET; GLYCOGEN STORAGE DISEASE II, INFANTILE-ONSET. Identifiers: Orphanet 365, MedGen C0017921, MONDO:0009290, OMIM 232300.

gnomAD v4.1: 2 of 1,598,046 alleles (0.00013%); highest among the groups gnomAD compares: Non-Finnish European, 0.00017%; no homozygotes.

Submission:

Genomenon, Inc
Classification: Uncertain significance for Glycogen storage disease, type II. Last evaluated: 2026-07-01. Review status: criteria provided, single submitter. Criteria: Genomenon Sequence Variant Interpretation Standards - Updated. Collection method: curation. Allele origin: germline. Affected: no.
Comment: GAA p.Ala716Pro (c.2146G>C) is a missense variant that changes the amino acid at codon 716 from Alanine to Proline. This variant has been reported in the published literature (PMID:31342611;33560568). It is absent or not present at a significant frequency in gnomAD. In silico models predict that this variant is possibly or probably damaging. In conclusion, we classify GAA p.Ala716Pro (c.2146G>C) as a variant of uncertain significance.

Literature cited by the submitters: PubMed 31342611; PubMed 33560568.